The following is an entry in ClinVar:

ClinVar aggregate classification (germline): Uncertain significance (1 of 4 stars; one submission).

Conditions:
Hyperaldosteronism, familial, type IV (HALD4). Also called: FH IV; ALDOSTERONISM, PRIMARY, AND HYPERTENSION. Identifiers: Orphanet 642671, MedGen C4310756, MONDO:0014875, OMIM 617027.
Idiopathic generalized epilepsy. Also called: EIG; Generalised epilepsy. Identifiers: MedGen C0270850, MONDO:0005579, OMIM 600669.

Allele frequency attached by ClinVar (database versions not stated): ExAC 0.00001; gnomAD 0.00001 and 0.00002; TOPMed 0.00002; gnomAD exomes 0.00005.
gnomAD v4.1: 67 of 1,560,108 alleles (0.0043%); highest among the groups gnomAD compares: Non-Finnish European, 0.0057%; no homozygotes.

Submission:

Labcorp Genetics (formerly Invitae), Labcorp
Classification: Uncertain significance for Idiopathic generalized epilepsy; Hyperaldosteronism, familial, type IV. Last evaluated: 2022-08-15. Review status: criteria provided, single submitter. Criteria: Invitae Variant Classification Sherloc (09022015). Collection method: clinical testing. Allele origin: germline.
Comment: This sequence change replaces glycine, which is neutral and non-polar, with aspartic acid, which is acidic and polar, at codon 2128 of the CACNA1H protein (p.Gly2128Asp). The frequency data for this variant in the population databases is considered unreliable, as metrics indicate poor data quality at this position in the gnomAD database. This variant has not been reported in the literature in individuals affected with CACNA1H-related conditions. ClinVar contains an entry for this variant (Variation ID: 460166). Advanced modeling of protein sequence and biophysical properties (such as structural, functional, and spatial information, amino acid conservation, physicochemical variation, residue mobility, and thermodynamic stability) performed at Invitae indicates that this missense variant is not expected to disrupt CACNA1H protein function. In summary, the available evidence is currently insufficient to determine the role of this variant in disease. Therefore, it has been classified as a Variant of Uncertain Significance.

NM_021098.3(CACNA1H):c.6383G>A (p.Gly2128Asp)

Gene: CACNA1H (calcium voltage-gated channel subunit alpha1 H; plus strand). Cytogenetic location: 16p13.3.
Variant type: single nucleotide variant.
Coding change: c.6383G>A on transcript NM_021098.3 (MANE Select); coding-DNA position 6383, G replaced by A.
Protein change: p.Gly2128Asp; replaces glycine 2128 with aspartic acid.
Molecular consequence: missense variant.
Genome position (GRCh38, 1-based): chr16:1,220,315, G>A. VCF-style: chr16-1220315-G-A. GRCh37 (hg19) VCF-style: chr16-1270315-G-A.
Other names: c.6365G>A, p.Gly2122Asp (NM_001005407.2); short protein forms G2128D, G2122D.
Identifiers: ClinVar variation 460166 (VCV000460166.6), dbSNP rs772416042, ClinGen allele CA7802339.